The following is an entry in ClinVar:

ClinVar aggregate classification (germline): Likely benign (1 of 4 stars; one submission).

gnomAD v4.1: 6,678 of 1,603,826 alleles (0.42%); highest among the groups gnomAD compares: Non-Finnish European, 0.51%; 21 homozygotes.

Submissions (8):

CeGaT Center for Human Genetics Tuebingen
Classification: Likely benign. Last evaluated: 2026-04-01. Review status: criteria provided, single submitter. Criteria: CeGaT Center For Human Genetics Tuebingen Variant Classification Criteria Version 2. Collection method: clinical testing. Allele origin: germline. Affected: yes. Observed: 1 variant allele.
Comment: STK3: BS2

Dr. Peter K. Rogan Lab, Western University
No classification provided (evidence only). Condition: Familial cancer of breast. Review status: no classification provided. Collection method: in vitro. Allele origin: not applicable. Functional consequence: retained intron. Not counted in ClinVar's aggregate classification.

Dr. Peter K. Rogan Lab, Western University
No classification provided (evidence only). Condition: Thyroid cancer, nonmedullary, 1. Review status: no classification provided. Collection method: in vitro. Allele origin: not applicable. Functional consequence: retained intron. Not counted in ClinVar's aggregate classification.

Dr. Peter K. Rogan Lab, Western University
No classification provided (evidence only). Condition: Uterine corpus endometrial carcinoma. Review status: no classification provided. Collection method: in vitro. Allele origin: not applicable. Functional consequence: skipped exon. Not counted in ClinVar's aggregate classification.

Dr. Peter K. Rogan Lab, Western University
No classification provided (evidence only). Condition: Sarcoma. Review status: no classification provided. Collection method: in vitro. Allele origin: not applicable. Functional consequence: retained intron. Not counted in ClinVar's aggregate classification.

Dr. Peter K. Rogan Lab, Western University
No classification provided (evidence only). Condition: Hepatocellular carcinoma. Review status: no classification provided. Collection method: in vitro. Allele origin: not applicable. Functional consequence: retained intron. Not counted in ClinVar's aggregate classification.

Dr. Peter K. Rogan Lab, Western University
No classification provided (evidence only). Condition: Ovarian serous cystadenocarcinoma. Review status: no classification provided. Collection method: in vitro. Allele origin: not applicable. Functional consequence: retained intron. Not counted in ClinVar's aggregate classification.

Dr. Peter K. Rogan Lab, Western University
No classification provided (evidence only). Condition: Gastric cancer. Review status: no classification provided. Collection method: in vitro. Allele origin: not applicable. Functional consequence: retained intron. Not counted in ClinVar's aggregate classification.

NM_006281.4(STK3):c.119G>A (p.Ser40Asn)

Gene: STK3 (serine/threonine kinase 3; minus strand). Cytogenetic location: 8q22.2.
Variant type: single nucleotide variant.
Coding change: c.119G>A on transcript NM_006281.4 (MANE Select); coding-DNA position 119, G replaced by A.
Protein change: p.Ser40Asn; replaces serine 40 with asparagine.
Molecular consequence: missense variant.
Genome position (GRCh38, 1-based): chr8:98,767,360, C>T on the plus strand (G>A on the coding strand, the complement: STK3 is on the minus strand). VCF-style: chr8-98767360-C-T. GRCh37 (hg19) VCF-style: chr8-99779588-C-T.
Other names: NC_000008.10:g.99779588C>T; c.203G>A, p.Ser68Asn (NM_001256312.2); c.119G>A, p.Ser40Asn (NM_001256313.2); short protein forms S68N, S40N.
Identifiers: ClinVar variation 4349670 (VCV004349670.3).